The following is an entry in ClinVar:

ClinVar aggregate classification (germline): Uncertain significance. Review status: criteria provided, multiple submitters, no conflicts (2 of 4 stars). 2 submissions from 2 submitters: Uncertain significance (2). Last evaluated 2024-12-20.

Conditions:
Charcot-Marie-Tooth disease axonal type 2F (CMT2F). Also called: Charcot-Marie-Tooth Neuropathy Type 2F; CHARCOT-MARIE-TOOTH DISEASE, NEURONAL, TYPE 2F. Identifiers: Orphanet 99940, MedGen C1847823, MONDO:0011687, OMIM 606595.
Inborn genetic diseases. Identifiers: MedGen C0950123, MeSH D030342.

Allele frequency attached by ClinVar (database versions not stated): TOPMed below 0.00001.
gnomAD v4.1: 27 of 1,613,790 alleles (0.0017%); highest among the groups gnomAD compares: Non-Finnish European, 0.0021%; no homozygotes.

Submissions (2):

Ambry Genetics
Classification: Uncertain significance for Inborn genetic diseases. Last evaluated: 2024-12-20. Review status: criteria provided, single submitter. Criteria: Ambry Variant Classification Scheme 2023. Collection method: clinical testing. Allele origin: germline.

Labcorp Genetics (formerly Invitae), Labcorp
Classification: Uncertain significance for Charcot-Marie-Tooth disease axonal type 2F. Last evaluated: 2022-01-17. Review status: criteria provided, single submitter. Criteria: Invitae Variant Classification Sherloc (09022015). Collection method: clinical testing. Allele origin: germline.
Comment: In summary, the available evidence is currently insufficient to determine the role of this variant in disease. Therefore, it has been classified as a Variant of Uncertain Significance. Algorithms developed to predict the effect of missense changes on protein structure and function output the following: SIFT: "Tolerated"; PolyPhen-2: "Benign"; Align-GVGD: "Class C0". The valine amino acid residue is found in multiple mammalian species, which suggests that this missense change does not adversely affect protein function. This variant has not been reported in the literature in individuals affected with HSPB1-related conditions. This variant is present in population databases (no rsID available, gnomAD 0.003%). This sequence change replaces alanine, which is neutral and non-polar, with valine, which is neutral and non-polar, at codon 173 of the HSPB1 protein (p.Ala173Val).

NM_001540.5(HSPB1):c.518C>T (p.Ala173Val)

Gene: HSPB1 (heat shock protein family B (small) member 1; plus strand). Cytogenetic location: 7q11.23.
Variant type: single nucleotide variant.
Coding change: c.518C>T on transcript NM_001540.5 (MANE Select); coding-DNA position 518, C replaced by T.
Protein change: p.Ala173Val; replaces alanine 173 with valine.
Molecular consequence: missense variant.
Genome position (GRCh38, 1-based): chr7:76,304,073, C>T. VCF-style: chr7-76304073-C-T. GRCh37 (hg19) VCF-style: chr7-75933390-C-T.
Other names: short protein forms A173V.
Identifiers: ClinVar variation 2417138 (VCV002417138.6), dbSNP rs1178692879, ClinGen allele CA367766133.